The following is an entry in ClinVar:

ClinVar aggregate classification (germline): Pathogenic (1 of 4 stars; one submission).

Conditions:
Fetal akinesia deformation sequence 1 (FADS1). Also called: Fetal akinesia sequence; Pena-Shokeir syndrome type I. Identifiers: Orphanet 994, MedGen C1276035, MONDO:0100101, OMIM 208150, HP:0001989.
Congenital myasthenic syndrome 10. Also called: Myasthenia, limb-girdle, familial. Identifiers: Orphanet 590, MedGen C1850792, MONDO:0009690, OMIM 254300.

Submission:

Labcorp Genetics (formerly Invitae), Labcorp
Classification: Pathogenic for Congenital myasthenic syndrome 10; Fetal akinesia deformation sequence 1. Last evaluated: 2017-08-11. Review status: criteria provided, single submitter. Criteria: Invitae Variant Classification Sherloc (09022015). Collection method: clinical testing. Allele origin: germline.
Comment: This variant is an in-frame deletion of the genomic region encompassing exons 3-6 of the DOK7 gene. It preserves the integrity of the reading frame. While this deletion has not been reported in the literature in individuals with a DOK7-related disease, a similar deletion encompassing exons 3-5 (c.101_652del) has been reported in an individual with autosomal recessive congenital myasthenic syndrome. This individual was also reported to carry a second, pathogenic DOK7 variant (PMID: 18626973). Experimental studies have shown that deletion of exons 3-5 impairs the ability of DOK7 protein to phosphorylate MuSK due to the removal of key functional domains (PMID: 18626973). The same functional domains are removed by deletion of exons 3-6, which implies that this deletion will also impair protein function. Loss-of-function variants in DOK7 are known to cause autosomal recessive congenital myasthenia syndrome (PMID: 16917026, 18626973). For these reasons, this variant has been classified as Pathogenic.

NC_000004.12:g.(?_3473386)_(3489816_?)del

Genes: DOK7 (docking protein 7; plus strand), LOC129992118 (ATAC-STARR-seq lymphoblastoid silent region 15206; plus strand), LOC126806951 (CDK7 strongly-dependent group 2 enhancer GRCh37_chr4:3486115-3487314; plus strand). Cytogenetic location: 4p16.3.
Variant type: Deletion.
Identifiers: ClinVar variation 465668 (VCV000465668.1).